The following is an entry in ClinVar:

NM_014714.4(IFT140):c.452A>G (p.His151Arg)

Genes: IFT140 (intraflagellar transport 140; minus strand), LOC105371046 (uncharacterized LOC105371046; plus strand). Cytogenetic location: 16p13.3.
Variant type: single nucleotide variant.
Coding change: c.452A>G on transcript NM_014714.4 (MANE Select); coding-DNA position 452, A replaced by G.
Protein change: p.His151Arg; replaces histidine 151 with arginine.
Molecular consequence: missense variant.
Genome position (GRCh38, 1-based): chr16:1,592,506, T>C on the plus strand (A>G on the coding strand, the complement: IFT140 is on the minus strand). VCF-style: chr16-1592506-T-C. GRCh37 (hg19) VCF-style: chr16-1642507-T-C.
Other names: short protein forms H151R.
Identifiers: ClinVar variation 4744756 (VCV004744756.2).

ClinVar aggregate classification (germline): Uncertain significance. Review status: criteria provided, multiple submitters, no conflicts (2 of 4 stars). 2 submissions from 2 submitters: Uncertain significance (2). Last evaluated 2025-10-17.

Conditions:
Saldino-Mainzer syndrome (SRTD9). Also called: CONORENAL SYNDROME; Renal dysplasia, retinal pigmentary dystrophy, cerebellar ataxia and skeletal dysplasia; SHORT-RIB THORACIC DYSPLASIA 9 WITHOUT POLYDACTYLY; short-rib thoracic dysplasia 9 with or without polydactyly. Identifiers: Orphanet 140969, MedGen C1849437, MONDO:0009964, OMIM 266920.

gnomAD v4.1: 1 of 1,614,138 alleles (0.000062%); highest among the groups gnomAD compares: Admixed American, 0.0017%; no homozygotes.

Submissions (2):

Labcorp Genetics (formerly Invitae), Labcorp
Classification: Uncertain significance for Saldino-Mainzer syndrome. Last evaluated: 2025-10-17. Review status: criteria provided, single submitter. Criteria: Invitae Variant Classification Sherloc (09022015). Collection method: clinical testing. Allele origin: germline.
Comment: This sequence change replaces histidine, which is basic and polar, with arginine, which is basic and polar, at codon 151 of the IFT140 protein (p.His151Arg). This variant is not present in population databases (gnomAD no frequency). This variant has not been reported in the literature in individuals affected with IFT140-related conditions. Invitae Evidence Modeling of protein sequence and biophysical properties (such as structural, functional, and spatial information, amino acid conservation, physicochemical variation, residue mobility, and thermodynamic stability) indicates that this missense variant is not expected to disrupt IFT140 protein function with a negative predictive value of 95%. In summary, the available evidence is currently insufficient to determine the role of this variant in disease. Therefore, it has been classified as a Variant of Uncertain Significance.

Blueprint Genetics
Classification: Uncertain significance. Last evaluated: 2018-06-04. Review status: criteria provided, single submitter. Criteria: ACMG Guidelines, 2015. Collection method: clinical testing. Allele origin: germline.